The following is an entry in ClinVar:

NM_194248.3(OTOF):c.711-1G>T

Gene: OTOF (otoferlin; minus strand). Cytogenetic location: 2p23.3.
Variant type: single nucleotide variant.
Coding change: c.711-1G>T on transcript NM_194248.3 (MANE Select); the canonical splice acceptor site of the intron before coding-DNA position 711, G replaced by T.
Molecular consequence: splice acceptor variant.
Genome position (GRCh38, 1-based): chr2:26,501,809, C>A on the plus strand (G>T on the coding strand, the complement: OTOF is on the minus strand). VCF-style: chr2-26501809-C-A. GRCh37 (hg19) VCF-style: chr2-26724677-C-A.
Other names: c.711-1G>T (NM_001287489.2).
Identifiers: ClinVar variation 2857179 (VCV002857179.3), dbSNP rs1666121550, ClinGen allele CA346138781.

ClinVar aggregate classification (germline): Pathogenic (1 of 4 stars; one submission).

Submission:

Labcorp Genetics (formerly Invitae), Labcorp
Classification: Pathogenic. Last evaluated: 2023-04-17. Review status: criteria provided, single submitter. Criteria: Invitae Variant Classification Sherloc (09022015). Collection method: clinical testing. Allele origin: germline.
Comment: This variant is not present in population databases (gnomAD no frequency). This sequence change affects an acceptor splice site in intron 7 of the OTOF gene. It is expected to disrupt RNA splicing. Variants that disrupt the donor or acceptor splice site typically lead to a loss of protein function (PMID: 16199547), and loss-of-function variants in OTOF are known to be pathogenic (PMID: 18381613, 19250381, 22575033). Disruption of this splice site has been observed in individual(s) with autosomal recessive nonsyndromic deafness (PMID: 10903124). It has also been observed to segregate with disease in related individuals. Algorithms developed to predict the effect of sequence changes on RNA splicing suggest that this variant may disrupt the consensus splice site. For these reasons, this variant has been classified as Pathogenic.

Literature cited by the submitters: PubMed 16199547; PubMed 18381613; PubMed 19250381; PubMed 22575033; PubMed 10903124.